The following is an entry in ClinVar:

NM_002016.2(FLG):c.7088C>A (p.Ser2363Tyr)

Genes: CCDST (cervical cancer associated DHX9 suppressive transcript; plus strand), FLG (filaggrin; minus strand). Cytogenetic location: 1q21.3.
Variant type: single nucleotide variant.
Coding change: c.7088C>A on transcript NM_002016.2 (MANE Select); coding-DNA position 7088, C replaced by A.
Protein change: p.Ser2363Tyr; replaces serine 2363 with tyrosine.
Molecular consequence: missense variant.
Genome position (GRCh38, 1-based): chr1:152,307,798, G>T on the plus strand (C>A on the coding strand, the complement: FLG is on the minus strand). VCF-style: chr1-152307798-G-T. GRCh37 (hg19) VCF-style: chr1-152280274-G-T.
Other names: short protein forms S2363Y.
Identifiers: ClinVar variation 2351200 (VCV002351200.8), dbSNP rs151254510, ClinGen allele CA1104905.

ClinVar aggregate classification (germline): Conflicting classifications of pathogenicity. Review status: criteria provided, conflicting classifications (1 of 4 stars). 2 submissions from 2 submitters: Uncertain significance (1); Likely benign (1). Last evaluated 2025-12-01.

Conditions:
Inborn genetic diseases. Identifiers: MedGen C0950123, MeSH D030342.

Allele frequency attached by ClinVar (database versions not stated): 1000 Genomes Project 0.00080; TOPMed 0.00089; gnomAD exomes 0.00098; 1000 Genomes Project 30x 0.00109.
gnomAD v4.1: 1,573 of 1,612,644 alleles (0.098%); highest among the groups gnomAD compares: South Asian, 0.25%; 7 homozygotes.

Submissions (2):

CeGaT Center for Human Genetics Tuebingen
Classification: Likely benign. Last evaluated: 2025-12-01. Review status: criteria provided, single submitter. Criteria: CeGaT Center For Human Genetics Tuebingen Variant Classification Criteria Version 2. Collection method: clinical testing. Allele origin: germline. Affected: yes. Observed: 1 variant allele.
Comment: FLG: BP4, BS2

Ambry Genetics
Classification: Uncertain significance for Inborn genetic diseases. Last evaluated: 2024-09-01. Review status: criteria provided, single submitter. Criteria: Ambry Variant Classification Scheme 2023. Collection method: clinical testing. Allele origin: germline.